The following is an entry in ClinVar:

ClinVar aggregate classification (germline): Uncertain significance. Review status: criteria provided, multiple submitters, no conflicts (2 of 4 stars). 3 submissions from 3 submitters: Uncertain significance (3). Last evaluated 2023-08-09.

Allele frequency attached by ClinVar (database versions not stated): TOPMed below 0.00001; ExAC 0.00003; gnomAD exomes 0.00003; gnomAD 0.00001; ESP Exome Variant Server 0.00008.
gnomAD v4.1: 16 of 1,605,112 alleles (0.001%); highest among the groups gnomAD compares: Non-Finnish European, 0.0014%; no homozygotes.

Submissions (3):

Women's Health and Genetics/Laboratory Corporation of America, LabCorp
Classification: Uncertain significance. Last evaluated: 2023-08-09. Review status: criteria provided, single submitter. Criteria: LabCorp Variant Classification Summary - May 2015. Collection method: clinical testing. Allele origin: germline.
Comment: Variant summary: TRRAP c.8627G>C (p.Cys2876Ser) results in a non-conservative amino acid change located in the PIK-related kinase, FAT (IPR003151) of the encoded protein sequence. Two of four in-silico tools predict a benign effect of the variant on protein function. The variant allele was found at a frequency of 1.3e-05 in 231238 control chromosomes (gnomAD). The available data on variant occurrences in the general population are insufficient to allow any conclusion about variant significance. To our knowledge, no occurrence of c.8627G>C in individuals affected with Developmental Delay With Or Without Dysmorphic Facies And Autism and no experimental evidence demonstrating its impact on protein function have been reported. Two submitters have cited clinical-significance assessments for this variant to ClinVar after 2014. Both submitters classified the variant as uncertain significance. Based on the evidence outlined above, the variant was classified as uncertain significance.

Labcorp Genetics (formerly Invitae), Labcorp
Classification: Uncertain significance. Last evaluated: 2022-07-11. Review status: criteria provided, single submitter. Criteria: Invitae Variant Classification Sherloc (09022015). Collection method: clinical testing. Allele origin: germline.
Comment: This sequence change replaces cysteine, which is neutral and slightly polar, with serine, which is neutral and polar, at codon 2876 of the TRRAP protein (p.Cys2876Ser). This variant is present in population databases (rs141693208, gnomAD 0.003%). This variant has not been reported in the literature in individuals affected with TRRAP-related conditions. Algorithms developed to predict the effect of missense changes on protein structure and function are either unavailable or do not agree on the potential impact of this missense change (SIFT: "Tolerated"; PolyPhen-2: "Probably Damaging"; Align-GVGD: "Class C0"). In summary, the available evidence is currently insufficient to determine the role of this variant in disease. Therefore, it has been classified as a Variant of Uncertain Significance.

Revvity Omics, Revvity
Classification: Uncertain significance. Last evaluated: 2021-04-08. Review status: criteria provided, single submitter. Criteria: ACMG Guidelines, 2015. Collection method: clinical testing. Allele origin: germline.

NM_001375524.1(TRRAP):c.8702G>C (p.Cys2901Ser)

Gene: TRRAP (transformation/transcription domain associated protein; plus strand). Cytogenetic location: 7q22.1.
Variant type: single nucleotide variant.
Coding change: c.8702G>C on transcript NM_001375524.1 (MANE Select); coding-DNA position 8702, G replaced by C.
Protein change: p.Cys2901Ser; replaces cysteine 2901 with serine.
Molecular consequence: missense variant.
Genome position (GRCh38, 1-based): chr7:98,981,836, G>C. VCF-style: chr7-98981836-G-C. GRCh37 (hg19) VCF-style: chr7-98579459-G-C.
Other names: c.8681G>C, p.Cys2894Ser (NM_001244580.2); c.8627G>C, p.Cys2876Ser (NM_003496.4); c.8627G>C (NM_003496.3); short protein forms C2876S, C2901S, C2894S.
Identifiers: ClinVar variation 2038405 (VCV002038405.8), dbSNP rs141693208, ClinGen allele CA4361515.